The following is an entry in ClinVar:

NM_001376.5(DYNC1H1):c.13367T>C (p.Val4456Ala)

Gene: DYNC1H1 (dynein cytoplasmic 1 heavy chain 1; plus strand). Cytogenetic location: 14q32.31.
Variant type: single nucleotide variant.
Coding change: c.13367T>C on transcript NM_001376.5 (MANE Select); coding-DNA position 13367, T replaced by C.
Protein change: p.Val4456Ala; replaces valine 4456 with alanine.
Molecular consequence: missense variant.
Genome position (GRCh38, 1-based): chr14:102,048,664, T>C. VCF-style: chr14-102048664-T-C. GRCh37 (hg19) VCF-style: chr14-102515001-T-C.
Other names: short protein forms V4456A.
Identifiers: ClinVar variation 3906615 (VCV003906615.1).
Genomic context (GRCh38, chr14:102,048,664, plus strand): 5'-AGGTGTGCGAAGGAAAGAAGAAGCAGACCAACTACTTGCGCACGCTGATCAACGAGCTAG[T>C]GAAAGGTGCGTGAGAGGCCGAACTCGTGGTGTGGCTTCCGGCGGGCACCTTGGCCAGGGG-3'
Protein context (NP_001367.2, residues 4446-4466): NYLRTLINEL[Val4456Ala]KGILPRSWSH

ClinVar aggregate classification (germline): Uncertain significance (1 of 4 stars; one submission).

Submission:

GeneDx
Classification: Uncertain significance. Last evaluated: 2024-12-14. Review status: criteria provided, single submitter. Criteria: GeneDx Variant Classification Process June 2021. Collection method: clinical testing. Allele origin: germline. Affected: yes.
Comment: Not observed at significant frequency in large population cohorts (gnomAD); In silico analysis indicates that this missense variant does not alter protein structure/function; Has not been previously published as pathogenic or benign to our knowledge; This variant is associated with the following publications: (PMID: 26100331, 25609763, 25512093)